The following is an entry in ClinVar:

NM_003476.5(CSRP3):c.509-16C>T

Gene: CSRP3 (cysteine and glycine rich protein 3; minus strand). Cytogenetic location: 11p15.1.
Variant type: single nucleotide variant.
Coding change: c.509-16C>T on transcript NM_003476.5 (MANE Select); 16 bases into the intron before coding-DNA position 509, C replaced by T.
Molecular consequence: intron variant.
Genome position (GRCh38, 1-based): chr11:19,182,762, G>A on the plus strand (C>T on the coding strand, the complement: CSRP3 is on the minus strand). VCF-style: chr11-19182762-G-A. GRCh37 (hg19) VCF-style: chr11-19204309-G-A.
Other names: c.340-16C>T (NM_001369404.1).
Identifiers: ClinVar variation 511532 (VCV000511532.5), dbSNP rs371700321, ClinGen allele CA5916516.

ClinVar aggregate classification (germline): Likely benign. Review status: criteria provided, multiple submitters, no conflicts (2 of 4 stars). 2 submissions from 2 submitters: Likely benign (2). Last evaluated 2026-02-03.

Conditions:
Hypertrophic cardiomyopathy 12. Identifiers: MedGen C2677491, MONDO:0012804, OMIM 612124.
Dilated cardiomyopathy 1M (CMD1M). Identifiers: Orphanet 154, MedGen C1843808, MONDO:0011840, OMIM 607482.

Allele frequency attached by ClinVar (database versions not stated): TOPMed 0.00001; gnomAD 0.00001; ExAC 0.00002; ESP Exome Variant Server 0.00008; gnomAD exomes 0.00001.
gnomAD v4.1: 12 of 1,597,442 alleles (0.00075%); highest among the groups gnomAD compares: African/African-American, 0.0027%; no homozygotes.

Submissions (2):

Labcorp Genetics (formerly Invitae), Labcorp
Classification: Likely benign for Hypertrophic cardiomyopathy 12; Dilated cardiomyopathy 1M. Last evaluated: 2026-02-03. Review status: criteria provided, single submitter. Criteria: Invitae Variant Classification Sherloc (09022015). Collection method: clinical testing. Allele origin: germline.

GeneDx
Classification: Likely benign. Last evaluated: 2017-08-18. Review status: criteria provided, single submitter. Criteria: GeneDx Variant Classification (06012015). Collection method: clinical testing. Allele origin: germline. Affected: yes.
Comment: This variant is considered likely benign or benign based on one or more of the following criteria: it is a conservative change, it occurs at a poorly conserved position in the protein, it is predicted to be benign by multiple in silico algorithms, and/or has population frequency not consistent with disease.